The following is an entry in ClinVar:

ClinVar aggregate classification (germline): Pathogenic (1 of 4 stars; one submission).

Conditions:
Nephronophthisis. Also called: Juvenile Nephronophthisis. Identifiers: Orphanet 655, MedGen C0687120, MONDO:0019005, HP:0000090.

Submission:

Labcorp Genetics (formerly Invitae), Labcorp
Classification: Pathogenic for Nephronophthisis. Last evaluated: 2022-07-26. Review status: criteria provided, single submitter. Criteria: Invitae Variant Classification Sherloc (09022015). Collection method: clinical testing. Allele origin: germline.
Comment: This sequence change creates a premature translational stop signal (p.Cys411*) in the NPHP1 gene. It is expected to result in an absent or disrupted protein product. Loss-of-function variants in NPHP1 are known to be pathogenic (PMID: 23559409). This variant is not present in population databases (gnomAD no frequency). This variant has not been reported in the literature in individuals affected with NPHP1-related conditions. For these reasons, this variant has been classified as Pathogenic.

Literature cited by the submitters: PubMed 23559409.

NM_001128178.3(NPHP1):c.1064_1080del (p.Leu354_Cys355insTer)

Gene: NPHP1 (nephrocystin 1; minus strand). Cytogenetic location: 2q13.
Variant type: Deletion.
Coding change: c.1064_1080del on transcript NM_001128178.3 (MANE Select); coding-DNA positions 1064 to 1080, 17 bases deleted (GTCTATTTGATGGTAAT).
Protein change: p.Leu354_Cys355insTer.
Molecular consequence: nonsense.
Genome position (GRCh38, 1-based): chr2:110,160,130-110,160,146, ATTACCATCAAATAGAC deleted on the plus strand (GTCTATTTGATGGTAAT on the coding strand, the reverse complement: NPHP1 is on the minus strand); deleting any 17 consecutive bases within chr2:110,160,130-110,160,147 gives the same sequence; the c. name uses the placement nearest the transcript's 3' end. VCF-style (leftmost placement, unchanged base first): chr2-110160129-TATTACCATCAAATAGAC-T. GRCh37 (hg19) VCF-style: chr2-110917706-TATTACCATCAAATAGAC-T.
Other names: c.1232_1248del, p.Leu410_Cys411insTer (NM_000272.5); c.875_891del, p.Leu291_Cys292insTer (NM_001128179.3); c.1061_1077del, p.Leu353_Cys354insTer (NM_001374256.1); c.1064_1080del, p.Leu354_Cys355insTer (NM_001374257.1); c.1229_1245del, p.Leu409_Cys410insTer (NM_207181.4).
Identifiers: ClinVar variation 2019744 (VCV002019744.4), dbSNP rs2467332466, ClinGen allele CA2580063728.
Genomic context (GRCh38, chr2:110,160,129, plus strand): 5'-TAAGGGAATGTTTCTCCATAATCCTAGTATGAATTGATTTACTTCTCAGTAACCTTACCT[TATTACCATCAAATAGAC>T]AGAGGCGTACATGTCTGCTGAGAACCTGTATGCTCATTCCTGGAAGAGGAATCATTTTAC-3'